The following is an entry in ClinVar:

NM_001330260.2(SCN8A):c.474G>A (p.Ser158=)

Gene: SCN8A (sodium voltage-gated channel alpha subunit 8; plus strand). Cytogenetic location: 12q13.13.
Variant type: single nucleotide variant.
Coding change: c.474G>A on transcript NM_001330260.2 (MANE Select); coding-DNA position 474, G replaced by A.
Protein change: p.Ser158=; no amino-acid change (serine 158 retained).
Molecular consequence: synonymous variant.
Genome position (GRCh38, 1-based): chr12:51,686,446, G>A. VCF-style: chr12-51686446-G-A. GRCh37 (hg19) VCF-style: chr12-52080230-G-A.
Other names: c.474G>A, p.Ser158= (NM_001177984.3, NM_001369788.1, NM_014191.4).
Identifiers: ClinVar variation 379363 (VCV000379363.11), dbSNP rs374989727, ClinGen allele CA6571064.

ClinVar aggregate classification (germline): Likely benign. Review status: criteria provided, multiple submitters, no conflicts (2 of 4 stars). 3 submissions from 3 submitters: Likely benign (3). Last evaluated 2026-01-29.

Conditions:
Early-infantile DEE. Also called: Ohtahara syndrome; Early infantile epileptic encephalopathy with suppression bursts; Early infantile epileptic encephalopathy. Identifiers: Orphanet 1934, MedGen C0393706, MONDO:0800491.
SCN8A-related disorder.

Allele frequency attached by ClinVar (database versions not stated): gnomAD exomes 0.00001 and 0.00002; ExAC 0.00004; gnomAD 0.00005; TOPMed 0.00006; ESP Exome Variant Server 0.00008.
gnomAD v4.1: 17 of 1,598,754 alleles (0.0011%); highest among the groups gnomAD compares: African/African-American, 0.016%; no homozygotes.

Submissions (3):

PreventionGenetics, part of Exact Sciences
Classification: Likely benign for SCN8A-related condition. Last evaluated: 2026-01-29. Review status: criteria provided, single submitter. Criteria: ACMG Guidelines, 2015. Collection method: clinical testing. Allele origin: germline.
Comment: This variant is classified as likely benign based on ACMG/AMP sequence variant interpretation guidelines (Richards et al. 2015 PMID: 25741868, with internal and published modifications).

Labcorp Genetics (formerly Invitae), Labcorp
Classification: Likely benign for Early-infantile DEE. Last evaluated: 2025-02-12. Review status: criteria provided, single submitter. Criteria: Invitae Variant Classification Sherloc (09022015). Collection method: clinical testing. Allele origin: germline.

GeneDx
Classification: Likely benign. Last evaluated: 2018-02-22. Review status: criteria provided, single submitter. Criteria: GeneDx Variant Classification (06012015). Collection method: clinical testing. Allele origin: germline. Affected: yes.
Comment: This variant is considered likely benign or benign based on one or more of the following criteria: it is a conservative change, it occurs at a poorly conserved position in the protein, it is predicted to be benign by multiple in silico algorithms, and/or has population frequency not consistent with disease.